The following is an entry in ClinVar:

ClinVar aggregate classification (germline): Uncertain significance. Review status: criteria provided, multiple submitters, no conflicts (2 of 4 stars). 2 submissions from 2 submitters: Uncertain significance (2). Last evaluated 2025-10-02.

Conditions:
Inborn genetic diseases. Identifiers: MedGen C0950123, MeSH D030342.

gnomAD v4.1: 13 of 1,556,402 alleles (0.00084%); highest among the groups gnomAD compares: African/African-American, 0.0041%; no homozygotes.

Submissions (2):

Ambry Genetics
Classification: Uncertain significance for Inborn genetic diseases. Last evaluated: 2025-10-02. Review status: criteria provided, single submitter. Criteria: Ambry Variant Classification Scheme 2023. Collection method: clinical testing. Allele origin: germline.

Women's Health and Genetics/Laboratory Corporation of America, LabCorp
Classification: Uncertain significance. Last evaluated: 2024-08-21. Review status: criteria provided, single submitter. Criteria: LabCorp Variant Classification Summary - May 2015. Collection method: clinical testing. Allele origin: germline.
Comment: Variant summary: ANKLE2 c.1897A>C (p.Asn633His) results in a conservative amino acid change in the encoded protein sequence. Three of five in-silico tools predict a damaging effect of the variant on protein function. The variant was absent in 201714 control chromosomes. The available data on variant occurrences in the general population are insufficient to allow any conclusion about variant significance. To our knowledge, no occurrence of c.1897A>C in individuals affected with Microcephaly 16, Primary, Autosomal Recessive and no experimental evidence demonstrating its impact on protein function have been reported. No submitters have cited clinical-significance assessments for this variant to ClinVar. Based on the evidence outlined above, the variant was classified as uncertain significance.

NM_015114.3(ANKLE2):c.1897A>C (p.Asn633His)

Gene: ANKLE2 (ankyrin repeat and LEM domain containing 2; minus strand). Cytogenetic location: 12q24.33.
Variant type: single nucleotide variant.
Coding change: c.1897A>C on transcript NM_015114.3 (MANE Select); coding-DNA position 1897, A replaced by C.
Protein change: p.Asn633His; replaces asparagine 633 with histidine.
Molecular consequence: missense variant.
Genome position (GRCh38, 1-based): chr12:132,730,265, T>G on the plus strand (A>C on the coding strand, the complement: ANKLE2 is on the minus strand). VCF-style: chr12-132730265-T-G. GRCh37 (hg19) VCF-style: chr12-133306851-T-G.
Other names: c.1897A>C (NM_015114.1); short protein forms N633H.
Identifiers: ClinVar variation 3366690 (VCV003366690.2).